The following is an entry in ClinVar:

NM_002692.4(POLE2):c.998dup (p.Asn333fs)

Gene: POLE2 (DNA polymerase epsilon 2, accessory subunit; minus strand). Cytogenetic location: 14q21.3.
Variant type: Duplication.
Coding change: c.998dup on transcript NM_002692.4 (MANE Select); coding-DNA position 998, one base duplicated (A; older notation c.998dupA).
Protein change: p.Asn333fs; shifts the reading frame from asparagine 333.
Molecular consequence: frameshift variant.
Genome position (GRCh38, 1-based): chr14:49,655,025, T duplicated on the plus strand (A on the coding strand, the reverse complement: POLE2 is on the minus strand); the first of 6 consecutive T bases (chr14:49,655,025-49,655,030); duplicating any one gives the same sequence. VCF-style (leftmost placement, unchanged base first): chr14-49655024-A-AT. GRCh37 (hg19) VCF-style: chr14-50121742-A-AT.
Other names: c.920dup, p.Asn307fs (NM_001197330.2); c.998dup, p.Asn333fs (NM_001197331.3, NM_001348384.2); c.767dup, p.Asn256fs (NM_001348385.2); short protein forms N256fs, N307fs, N333fs.
Identifiers: ClinVar variation 2806294 (VCV002806294.3), dbSNP rs2502829801, ClinGen allele CA2624730778.

ClinVar aggregate classification (germline): Uncertain significance (1 of 4 stars; one submission).

Submission:

Labcorp Genetics (formerly Invitae), Labcorp
Classification: Uncertain significance. Last evaluated: 2023-01-01. Review status: criteria provided, single submitter. Criteria: Invitae Variant Classification Sherloc (09022015). Collection method: clinical testing. Allele origin: germline.
Comment: In summary, the available evidence is currently insufficient to determine the role of this variant in disease. Therefore, it has been classified as a Variant of Uncertain Significance. This variant has not been reported in the literature in individuals affected with POLE2-related conditions. This variant is not present in population databases (gnomAD no frequency). This sequence change creates a premature translational stop signal (p.Asn333Lysfs*19) in the POLE2 gene. It is expected to result in an absent or disrupted protein product. However, the current clinical and genetic evidence is not sufficient to establish whether loss-of-function variants in POLE2 cause disease.